The following is an entry in ClinVar:

ClinVar aggregate classification (germline): Likely pathogenic. Review status: criteria provided, multiple submitters, no conflicts (2 of 4 stars). 3 submissions from 3 submitters: Likely pathogenic (2). 1 of the submissions does not count toward it. Last evaluated 2024-02-17.

Conditions:
Pendred syndrome (PDS). Also called: Pendred Syndrome (PDS); DEAFNESS WITH GOITER; THYROID DYSHORMONOGENESIS 2B; THYROID HORMONOGENESIS, GENETIC DEFECT IN, 2B; GOITER-DEAFNESS SYNDROME; HYPOTHYROIDISM, CONGENITAL, DUE TO DYSHORMONOGENESIS, 2B. Identifiers: Orphanet 705, MedGen C0271829, MONDO:0010134, OMIM 274600.

Allele frequency attached by ClinVar (database versions not stated): gnomAD exomes below 0.00001; ExAC 0.00001.

Submissions (3):

Labcorp Genetics (formerly Invitae), Labcorp
Classification: Likely pathogenic. Last evaluated: 2024-02-17. Review status: criteria provided, single submitter. Criteria: Invitae Variant Classification Sherloc (09022015). Collection method: clinical testing. Allele origin: germline.
Comment: This sequence change affects a donor splice site in intron 17 of the SLC26A4 gene. It is expected to disrupt RNA splicing. Variants that disrupt the donor or acceptor splice site typically lead to a loss of protein function (PMID: 16199547), and loss-of-function variants in SLC26A4 are known to be pathogenic (PMID: 16283880, 25394566, 26252218, 26445815). This variant is not present in population databases (gnomAD no frequency). Disruption of this splice site has been observed in individual(s) with deafness (PMID: 34943614). ClinVar contains an entry for this variant (Variation ID: 641183). Algorithms developed to predict the effect of sequence changes on RNA splicing suggest that this variant may disrupt the consensus splice site. In summary, the currently available evidence indicates that the variant is pathogenic, but additional data are needed to prove that conclusively. Therefore, this variant has been classified as Likely Pathogenic.

GeneDx
Classification: Likely pathogenic. Last evaluated: 2023-10-14. Review status: criteria provided, single submitter. Criteria: GeneDx Variant Classification Process June 2021. Collection method: clinical testing. Allele origin: germline. Affected: yes.
Comment: Reported in a patient with hearing loss who also harbors an additional splice site variant in the SLC26A4 gene; however, the phase of these variants is not reported (PMID: 34943614); Not observed at significant frequency in large population cohorts (gnomAD); Canonical splice site variant predicted to result in an in-frame loss of the adjacent exon in a gene for which loss of function is a known mechanism of disease; This variant is associated with the following publications: (PMID: 36499699, 34943614)

Natera, Inc.
Classification: Likely pathogenic for Pendred syndrome. Last evaluated: 2021-06-29. Review status: no assertion criteria provided. Collection method: clinical testing. Allele origin: germline. Not counted in ClinVar's aggregate classification.

Literature cited by the submitters: PubMed 16199547 (cited by Labcorp Genetics (formerly Invitae), Labcorp); PubMed 16283880 (cited by Labcorp Genetics (formerly Invitae), Labcorp); PubMed 25394566 (cited by Labcorp Genetics (formerly Invitae), Labcorp); PubMed 26252218 (cited by Labcorp Genetics (formerly Invitae), Labcorp); PubMed 26445815 (cited by Labcorp Genetics (formerly Invitae), Labcorp); PubMed 34943614 (cited by Labcorp Genetics (formerly Invitae), Labcorp).

NM_000441.2(SLC26A4):c.2034+1G>A

Gene: SLC26A4 (solute carrier family 26 member 4; plus strand). Cytogenetic location: 7q22.3.
Variant type: single nucleotide variant.
Coding change: c.2034+1G>A on transcript NM_000441.2 (MANE Select); the canonical splice donor site of the intron after coding-DNA position 2034, G replaced by A.
Molecular consequence: splice donor variant.
Genome position (GRCh38, 1-based): chr7:107,702,058, G>A. VCF-style: chr7-107702058-G-A. GRCh37 (hg19) VCF-style: chr7-107342503-G-A.
Identifiers: ClinVar variation 641183 (VCV000641183.9), dbSNP rs759683649, ClinGen allele CA4433006.